The following is an entry in ClinVar:

ClinVar aggregate classification (germline): Uncertain significance (1 of 4 stars; one submission).

Conditions:
Alstrom syndrome (ALMS). Identifiers: Orphanet 64, MedGen C0268425, MONDO:0008763, OMIM 203800.

gnomAD v4.1: 7 of 1,613,220 alleles (0.00043%); highest among the groups gnomAD compares: East Asian, 0.016%; no homozygotes.

Submission:

Labcorp Genetics (formerly Invitae), Labcorp
Classification: Uncertain significance for Alstrom syndrome. Last evaluated: 2022-01-26. Review status: criteria provided, single submitter. Criteria: Invitae Variant Classification Sherloc (09022015). Collection method: clinical testing. Allele origin: germline.
Comment: This sequence change replaces glycine, which is neutral and non-polar, with valine, which is neutral and non-polar, at codon 1373 of the ALMS1 protein (p.Gly1373Val). This variant is present in population databases (no rsID available, gnomAD 0.006%). This variant has not been reported in the literature in individuals affected with ALMS1-related conditions. Experimental studies and prediction algorithms are not available or were not evaluated, and the functional significance of this variant is currently unknown. In summary, the available evidence is currently insufficient to determine the role of this variant in disease. Therefore, it has been classified as a Variant of Uncertain Significance.

NM_001378454.1(ALMS1):c.4115G>T (p.Gly1372Val)

Gene: ALMS1 (ALMS1 centrosome and basal body associated protein; plus strand). Cytogenetic location: 2p13.1.
Variant type: single nucleotide variant.
Coding change: c.4115G>T on transcript NM_001378454.1 (MANE Select); coding-DNA position 4115, G replaced by T.
Protein change: p.Gly1372Val; replaces glycine 1372 with valine.
Molecular consequence: missense variant.
Genome position (GRCh38, 1-based): chr2:73,450,642, G>T. VCF-style: chr2-73450642-G-T. GRCh37 (hg19) VCF-style: chr2-73677769-G-T.
Other names: c.4118G>T, p.Gly1373Val (NM_015120.4); short protein forms G1373V, G1372V.
Identifiers: ClinVar variation 2154322 (VCV002154322.1), dbSNP rs1439442789, ClinGen allele CA347277493.